The following is an entry in ClinVar:

NM_001009944.3(PKD1):c.2155C>T (p.His719Tyr)

Gene: PKD1 (polycystin 1, transient receptor potential channel interacting; minus strand). Cytogenetic location: 16p13.3.
Variant type: single nucleotide variant.
Coding change: c.2155C>T on transcript NM_001009944.3 (MANE Select); coding-DNA position 2155, C replaced by T.
Protein change: p.His719Tyr; replaces histidine 719 with tyrosine.
Molecular consequence: missense variant.
Genome position (GRCh38, 1-based): chr16:2,114,868, G>A on the plus strand (C>T on the coding strand, the complement: PKD1 is on the minus strand). VCF-style: chr16-2114868-G-A. GRCh37 (hg19) VCF-style: chr16-2164869-G-A.
Other names: c.2155C>T, p.His719Tyr (NM_000296.4); short protein forms H719Y.
Identifiers: ClinVar variation 2581737 (VCV002581737.2), dbSNP rs2544856256, ClinGen allele CA394389247.

ClinVar aggregate classification (germline): Uncertain significance. Review status: criteria provided, multiple submitters, no conflicts (2 of 4 stars). 2 submissions from 2 submitters: Uncertain significance (2). Last evaluated 2024-02-20.

Submissions (2):

Blueprint Genetics
Classification: Uncertain significance. Last evaluated: 2024-02-20. Review status: criteria provided, single submitter. Criteria: ACMG Guidelines, 2015. Collection method: clinical testing. Allele origin: germline.

GeneDx
Classification: Uncertain significance. Last evaluated: 2023-03-31. Review status: criteria provided, single submitter. Criteria: GeneDx Variant Classification Process June 2021. Collection method: clinical testing. Allele origin: germline. Affected: yes.
Comment: Not observed at significant frequency in large population cohorts (gnomAD); In silico analysis supports that this missense variant has a deleterious effect on protein structure/function; Has not been previously published as pathogenic or benign to our knowledge